The following is an entry in ClinVar:

NM_001080449.3(DNA2):c.2332T>A (p.Phe778Ile)

Gene: DNA2 (DNA replication helicase/nuclease 2; minus strand). Cytogenetic location: 10q21.3.
Variant type: single nucleotide variant.
Coding change: c.2332T>A on transcript NM_001080449.3 (MANE Select); coding-DNA position 2332, T replaced by A.
Protein change: p.Phe778Ile; replaces phenylalanine 778 with isoleucine.
Molecular consequence: missense variant. On other transcripts: non-coding transcript variant (1).
Genome position (GRCh38, 1-based): chr10:68,422,767, A>T on the plus strand (T>A on the coding strand, the complement: DNA2 is on the minus strand). VCF-style: chr10-68422767-A-T. GRCh37 (hg19) VCF-style: chr10-70182524-A-T.
Other names: short protein forms F778I.
Identifiers: ClinVar variation 3348918 (VCV003348918.2).

ClinVar aggregate classification (germline): Uncertain significance. Review status: criteria provided, single submitter (1 of 4 stars). 2 submissions from 2 submitters: Uncertain significance (1). 1 of the submissions does not count toward it. Last evaluated 2025-03-01.

Conditions:
DNA2-related disorder. Also called: DNA2-related condition.
Inborn genetic diseases. Identifiers: MedGen C0950123, MeSH D030342.

gnomAD v4.1: 4 of 1,610,366 alleles (0.00025%); highest among the groups gnomAD compares: African/African-American, 0.0054%; no homozygotes.

Submissions (2):

Ambry Genetics
Classification: Uncertain significance for Inborn genetic diseases. Last evaluated: 2025-03-01. Review status: criteria provided, single submitter. Criteria: Ambry Variant Classification Scheme 2023. Collection method: clinical testing. Allele origin: germline.

PreventionGenetics, part of Exact Sciences
Classification: Uncertain significance for DNA2-related condition. Last evaluated: 2024-03-28. Review status: no assertion criteria provided. Collection method: clinical testing. Allele origin: germline. Not counted in ClinVar's aggregate classification.
Comment: The DNA2 c.2332T>A variant is predicted to result in the amino acid substitution p.Phe778Ile. To our knowledge, this variant has not been reported in the literature. This variant is reported in 0.023% of alleles in individuals of African descent in gnomAD. At this time, the clinical significance of this variant is uncertain due to the absence of conclusive functional and genetic evidence.